The following is an entry in ClinVar:

ClinVar aggregate classification (germline): Likely benign (0 of 4 stars; one submission).

Conditions:
ADRA2C-related disorder. Also called: ADRA2C-related condition.

Allele frequency attached by ClinVar (database versions not stated): gnomAD 0.00005; ExAC 0.00012; 1000 Genomes Project 30x 0.00031; 1000 Genomes Project 0.00040.

Submission:

PreventionGenetics, part of Exact Sciences
Classification: Likely benign for ADRA2C-related condition. Last evaluated: 2021-11-17. Review status: no assertion criteria provided. Collection method: clinical testing. Allele origin: germline.
Comment: This variant is classified as likely benign based on ACMG/AMP sequence variant interpretation guidelines (Richards et al. 2015 PMID: 25741868, with internal and published modifications).

NM_000683.4(ADRA2C):c.297G>C (p.Leu99=)

Gene: ADRA2C (adrenoceptor alpha 2C; plus strand). Cytogenetic location: 4p16.3.
Variant type: single nucleotide variant.
Coding change: c.297G>C on transcript NM_000683.4 (MANE Select); coding-DNA position 297, G replaced by C.
Protein change: p.Leu99=; no amino-acid change (leucine 99 retained).
Molecular consequence: synonymous variant.
Genome position (GRCh38, 1-based): chr4:3,766,903, G>C. VCF-style: chr4-3766903-G-C. GRCh37 (hg19) VCF-style: chr4-3768630-G-C.
Identifiers: ClinVar variation 3057567 (VCV003057567.2), dbSNP rs533734896, ClinGen allele CA2830264.